The following is an entry in ClinVar:

NM_014484.5(MOCS3):c.471C>G (p.Tyr157Ter)

Gene: MOCS3 (molybdenum cofactor synthesis 3; plus strand). Cytogenetic location: 20q13.13.
Variant type: single nucleotide variant.
Coding change: c.471C>G on transcript NM_014484.5 (MANE Select); coding-DNA position 471, C replaced by G.
Protein change: p.Tyr157Ter; replaces tyrosine 157 with a stop codon.
Molecular consequence: nonsense.
Genome position (GRCh38, 1-based): chr20:50,959,313, C>G. VCF-style: chr20-50959313-C-G. GRCh37 (hg19) VCF-style: chr20-49575850-C-G.
Other names: short protein forms Y157*.
Identifiers: ClinVar variation 2810850 (VCV002810850.3), dbSNP rs2515743688, ClinGen allele CA408983091.
Genomic context (GRCh38, chr20:50,959,313, plus strand): 5'-GGCCTTTTCGGCCGCCGCCTCGCTGCGCCGCCTCAATTCGGCAGTGGAATGCGTGCCGTA[C>G]ACTCAGGCCCTTACGCCAGCCACTGCCCTAGACCTGGTCCGCCGATATGATGTGGTGGCT-3'

ClinVar aggregate classification (germline): Uncertain significance (1 of 4 stars; one submission).

Submission:

Labcorp Genetics (formerly Invitae), Labcorp
Classification: Uncertain significance. Last evaluated: 2022-10-30. Review status: criteria provided, single submitter. Criteria: Invitae Variant Classification Sherloc (09022015). Collection method: clinical testing. Allele origin: germline.
Comment: In summary, the available evidence is currently insufficient to determine the role of this variant in disease. Therefore, it has been classified as a Variant of Uncertain Significance. Experimental studies and prediction algorithms are not available or were not evaluated, and the functional significance of this variant is currently unknown. This variant has not been reported in the literature in individuals affected with MOCS3-related conditions. This variant is not present in population databases (gnomAD no frequency). This sequence change creates a premature translational stop signal (p.Tyr157*) in the MOCS3 gene. While this is not anticipated to result in nonsense mediated decay, it is expected to disrupt the last 304 amino acid(s) of the MOCS3 protein.